The following is an entry in ClinVar:

ClinVar aggregate classification (germline): Pathogenic. Review status: criteria provided, multiple submitters, no conflicts (2 of 4 stars). 4 submissions from 4 submitters: Pathogenic (4). Last evaluated 2025-12-01.

Conditions:
Cobalamin C disease. Also called: Methylmalonic aciduria and homocystinuria, Vitamin B12-responsive; Vitamin B12 metabolic defect with combined deficiency of methylmalonyl-CoA mutase and homocysteine:methyltetrahydrofolate methyltransferase; Cobalamin-C methylmalonic acidemia and homocystinuria; Methylmalonic acidemia and homocystinuria cblC type; Methylmalonic aciduria with homocystinuria cblC type; methylmalonic aciduria and homocystinuria type cblC. Identifiers: Orphanet 26, Orphanet 79282, MedGen C1848561, MONDO:0010184, OMIM 277400.

Submissions (4):

Labcorp Genetics (formerly Invitae), Labcorp
Classification: Pathogenic for Cobalamin C disease. Last evaluated: 2025-12-01. Review status: criteria provided, single submitter. Criteria: Invitae Variant Classification Sherloc (09022015). Collection method: clinical testing. Allele origin: germline.
Comment: This sequence change creates a premature translational stop signal (p.Leu63Serfs*13) in the MMACHC gene. It is expected to result in an absent or disrupted protein product. Loss-of-function variants in MMACHC are known to be pathogenic (PMID: 16311595). This variant is present in population databases (no rsID available, gnomAD 0.003%). This variant has not been reported in the literature in individuals affected with MMACHC-related conditions. ClinVar contains an entry for this variant (Variation ID: 1334896). For these reasons, this variant has been classified as Pathogenic.

Myriad Genetics, Inc.
Classification: Pathogenic for Cobalamin C disease. Last evaluated: 2025-05-27. Review status: criteria provided, single submitter. Criteria: Myriad Autosomal Dominant, Autosomal Recessive and X-Linked Classification Criteria (2023). Collection method: clinical testing. Allele origin: unknown.
Comment: NM_015506.2(MMACHC):c.187delC(L63Sfs*13) is expected to be pathogenic in the context of methylmalonic aciduria and homocystinuria, cblC type. This variant is predicted to lead to an abnormal or absent protein product due to the creation of a premature termination codon in MMACHC, a gene where loss-of-function variants are known to be pathogenic. Please note: this variant was assessed in the context of healthy population screening.

Genome-Nilou Lab
Classification: Pathogenic for Cobalamin C disease. Last evaluated: 2023-04-11. Review status: criteria provided, single submitter. Criteria: ACMG Guidelines, 2015. Collection method: clinical testing. Allele origin: germline. Affected: no.

Suma Genomics
Classification: Pathogenic for Cobalamin C disease. Review status: criteria provided, single submitter. Criteria: ACMG Guidelines, 2015. Collection method: clinical testing. Allele origin: unknown. Inheritance: Autosomal recessive inheritance. Affected: yes.

Literature cited by the submitters: PubMed 16311595 (cited by Labcorp Genetics (formerly Invitae), Labcorp).

NM_015506.3(MMACHC):c.187del (p.Leu63fs)

Gene: MMACHC (metabolism of cobalamin associated C; plus strand). Cytogenetic location: 1p34.1.
Variant type: Deletion.
Coding change: c.187del on transcript NM_015506.3 (MANE Select); coding-DNA position 187, one base deleted (C; older notation c.187delC).
Protein change: p.Leu63fs; shifts the reading frame from leucine 63.
Molecular consequence: frameshift variant.
Genome position (GRCh38, 1-based): chr1:45,507,461, C deleted; the last of 3 consecutive C bases (chr1:45,507,459-45,507,461); deleting any one gives the same sequence. VCF-style (leftmost placement, unchanged base first): chr1-45507458-GC-G. GRCh37 (hg19) VCF-style: chr1-45973130-GC-G.
Other names: c.16del, p.Leu6fs (NM_001330540.2); short protein forms L63fs, L6fs.
Identifiers: ClinVar variation 1334896 (VCV001334896.8), dbSNP rs1343936481, ClinGen allele CA522810652.